The following is an entry in ClinVar:

ClinVar aggregate classification (germline): Uncertain significance (1 of 4 stars; one submission).

Submission:

Labcorp Genetics (formerly Invitae), Labcorp
Classification: Uncertain significance. Last evaluated: 2024-02-07. Review status: criteria provided, single submitter. Criteria: Invitae Variant Classification Sherloc (09022015). Collection method: clinical testing. Allele origin: germline.
Comment: This sequence change replaces alanine, which is neutral and non-polar, with glycine, which is neutral and non-polar, at codon 376 of the COL17A1 protein (p.Ala376Gly). This variant is not present in population databases (gnomAD no frequency). This variant has not been reported in the literature in individuals affected with COL17A1-related conditions. Advanced modeling of protein sequence and biophysical properties (such as structural, functional, and spatial information, amino acid conservation, physicochemical variation, residue mobility, and thermodynamic stability) performed at Invitae indicates that this missense variant is not expected to disrupt COL17A1 protein function with a negative predictive value of 80%. In summary, the available evidence is currently insufficient to determine the role of this variant in disease. Therefore, it has been classified as a Variant of Uncertain Significance.

NM_000494.4(COL17A1):c.1127C>G (p.Ala376Gly)

Gene: COL17A1 (collagen type XVII alpha 1 chain; minus strand). Cytogenetic location: 10q25.1.
Variant type: single nucleotide variant.
Coding change: c.1127C>G on transcript NM_000494.4 (MANE Select); coding-DNA position 1127, C replaced by G.
Protein change: p.Ala376Gly; replaces alanine 376 with glycine.
Molecular consequence: missense variant.
Genome position (GRCh38, 1-based): chr10:104,060,133, G>C on the plus strand (C>G on the coding strand, the complement: COL17A1 is on the minus strand). VCF-style: chr10-104060133-G-C. GRCh37 (hg19) VCF-style: chr10-105819891-G-C.
Other names: short protein forms A376G.
Identifiers: ClinVar variation 3674370 (VCV003674370.2).